The following is an entry in ClinVar:

ClinVar aggregate classification (germline): Uncertain significance. Review status: criteria provided, multiple submitters, no conflicts (2 of 4 stars). 6 submissions from 6 submitters: Uncertain significance (6). Last evaluated 2024-12-04.

Conditions:
Ataxia-telangiectasia syndrome (AT). Also called: Ataxia-telangiectasia, complementation group D; Cerebello-oculocutaneous telangiectasia; Immunodeficiency with ataxia telangiectasia; ATAXIA-TELANGIECTASIA, COMPLEMENTATION GROUP A; ATAXIA-TELANGIECTASIA, FRESNO VARIANT; LOUIS-BAR SYNDROME. Identifiers: Orphanet 100, MedGen C0004135, MONDO:0008840, OMIM 208900.
Hereditary cancer-predisposing syndrome. Also called: Hereditary neoplastic syndrome; Hereditary Cancer Syndrome; Neoplastic Syndromes, Hereditary; Tumor predisposition. Identifiers: Orphanet 140162, MedGen C0027672, MeSH D009386, MONDO:0015356.
Familial cancer of breast. Also called: hereditary breast carcinoma; Hereditary breast cancer; BREAST CANCER, FAMILIAL. Identifiers: Orphanet 227535, MedGen C0346153, MONDO:0016419, OMIM 114480. Disease mechanism: loss of function.

Submissions (6):

Ambry Genetics
Classification: Uncertain significance for Hereditary cancer-predisposing syndrome. Last evaluated: 2024-12-04. Review status: criteria provided, single submitter. Criteria: Ambry Variant Classification Scheme 2023. Collection method: clinical testing. Allele origin: germline.
Comment: The p.W1058C variant (also known as c.3174G>C), located in coding exon 21 of the ATM gene, results from a G to C substitution at nucleotide position 3174. The tryptophan at codon 1058 is replaced by cysteine, an amino acid with highly dissimilar properties. This amino acid position is highly conserved in available vertebrate species. In addition, this alteration is predicted to be deleterious by in silico analysis. Since supporting evidence is limited at this time, the clinical significance of this alteration remains unclear.

Labcorp Genetics (formerly Invitae), Labcorp
Classification: Uncertain significance for Ataxia-telangiectasia syndrome. Last evaluated: 2024-10-02. Review status: criteria provided, single submitter. Criteria: Invitae Variant Classification Sherloc (09022015). Collection method: clinical testing. Allele origin: germline.
Comment: This sequence change replaces tryptophan, which is neutral and slightly polar, with cysteine, which is neutral and slightly polar, at codon 1058 of the ATM protein (p.Trp1058Cys). This variant is not present in population databases (gnomAD no frequency). This variant has not been reported in the literature in individuals affected with ATM-related conditions. ClinVar contains an entry for this variant (Variation ID: 422903). An algorithm developed to predict the effect of missense changes on protein structure and function (PolyPhen-2) suggests that this variant is likely to be disruptive. In summary, the available evidence is currently insufficient to determine the role of this variant in disease. Therefore, it has been classified as a Variant of Uncertain Significance.

Color Diagnostics, LLC DBA Color Health
Classification: Uncertain significance for Hereditary cancer-predisposing syndrome. Last evaluated: 2024-03-06. Review status: criteria provided, single submitter. Criteria: ACMG Guidelines, 2015. Collection method: clinical testing. Allele origin: germline.
Comment: This missense variant replaces tryptophan with cysteine at codon 1058 of the ATM protein. Computational prediction suggests that this variant may have deleterious impact on protein structure and function. To our knowledge, functional studies have not been reported for this variant. This variant has not been reported in individuals affected with ATM-related disorders in the literature. This variant has not been identified in the general population by the Genome Aggregation Database (gnomAD). The available evidence is insufficient to determine the role of this variant in disease conclusively. Therefore, this variant is classified as a Variant of Uncertain Significance.

Baylor Genetics
Classification: Uncertain significance for Familial cancer of breast. Last evaluated: 2023-12-02. Review status: criteria provided, single submitter. Criteria: ACMG Guidelines, 2015. Collection method: clinical testing. Allele origin: unknown.

Women's Health and Genetics/Laboratory Corporation of America, LabCorp
Classification: Uncertain significance. Last evaluated: 2022-06-13. Review status: criteria provided, single submitter. Criteria: LabCorp Variant Classification Summary - May 2015. Collection method: clinical testing. Allele origin: germline.
Comment: Variant summary: ATM c.3174G>C (p.Trp1058Cys) results in a non-conservative amino acid change in the encoded protein sequence. Five of five in-silico tools predict a damaging effect of the variant on protein function. The variant was absent in 251282 control chromosomes (gnomAD). The available data on variant occurrences in the general population are insufficient to allow any conclusion about variant significance. To our knowledge, no occurrence of c.3174G>C in individuals affected with Breast Cancer and no experimental evidence demonstrating its impact on protein function have been reported. Four clinical diagnostic laboratories have submitted clinical-significance assessments for this variant to ClinVar after 2014 and all classified the variant as uncertain significance. Based on the evidence outlined above, the variant was classified as uncertain significance.

GeneDx
Classification: Uncertain significance. Last evaluated: 2016-12-16. Review status: criteria provided, single submitter. Criteria: GeneDx Variant Classification (06012015). Collection method: clinical testing. Allele origin: germline. Affected: yes.
Comment: This variant is denoted ATM c.3174G>C at the cDNA level, p.Trp1058Cys (W1058C) at the protein level, and results in the change of a Tryptophan to a Cysteine (TGG>TGC). This variant has not, to our knowledge, been published in the literature as pathogenic or benign. ATM Trp1058Cys was not observed in approximately 6,500 individuals of European and African American ancestry in the NHLBI Exome Sequencing Project, suggesting it is not a common benign variant in these populations. Since Tryptophan and Cysteine differ in polarity, charge, size or other properties, this is considered a non-conservative amino acid substitution. ATM Trp1058Cys occurs at a position that is conserved across species and is located in the region of interaction with beta-adaptin (Tavtigian 2009). In silico analyses predict that this variant is probably damaging to protein structure and function. Based on currently available evidence, it is unclear whether ATM Trp1058Cys is a pathogenic or benign variant. We consider it to be a variant of uncertain significance.

NM_000051.4(ATM):c.3174G>C (p.Trp1058Cys)

Gene: ATM (ATM serine/threonine kinase; plus strand). Cytogenetic location: 11q22.3.
Variant type: single nucleotide variant.
Coding change: c.3174G>C on transcript NM_000051.4 (MANE Select); coding-DNA position 3174, G replaced by C.
Protein change: p.Trp1058Cys; replaces tryptophan 1058 with cysteine.
Molecular consequence: missense variant.
Genome position (GRCh38, 1-based): chr11:108,272,742, G>C. VCF-style: chr11-108272742-G-C. GRCh37 (hg19) VCF-style: chr11-108143469-G-C.
Other names: c.3174G>C, p.Trp1058Cys (NM_001351834.2); short protein forms W1058C.
Identifiers: ClinVar variation 422903 (VCV000422903.23), dbSNP rs1064796080, ClinGen allele CA16619156.
Genomic context (GRCh38, chr11:108,272,742, plus strand): 5'-TTTCTCTATTTCATATTTAACCACAGTTCTTTTCCCGTAGGCTGATCCTTATTCAAAATG[G>C]GCCATTCTTAATGTAATGGGAAAAGACTTTCCTGTAAATGAAGTATTTACACAATTTCTT-3'
Protein context (NP_000042.3, residues 1048-1068): TLLEADPYSK[Trp1058Cys]AILNVMGKDF